The following is an entry in ClinVar:

ClinVar aggregate classification (germline): Uncertain significance (1 of 4 stars; one submission).

Submission:

Labcorp Genetics (formerly Invitae), Labcorp
Classification: Uncertain significance. Last evaluated: 2025-03-17. Review status: criteria provided, single submitter. Criteria: Invitae Variant Classification Sherloc (09022015). Collection method: clinical testing. Allele origin: germline.
Comment: This sequence change replaces lysine, which is basic and polar, with glutamine, which is neutral and polar, at codon 39 of the CA2 protein (p.Lys39Gln). This variant is not present in population databases (gnomAD no frequency). This variant has not been reported in the literature in individuals affected with CA2-related conditions. ClinVar contains an entry for this variant (Variation ID: 2001896). Invitae Evidence Modeling of protein sequence and biophysical properties (such as structural, functional, and spatial information, amino acid conservation, physicochemical variation, residue mobility, and thermodynamic stability) indicates that this missense variant is not expected to disrupt CA2 protein function with a negative predictive value of 80%. In summary, the available evidence is currently insufficient to determine the role of this variant in disease. Therefore, it has been classified as a Variant of Uncertain Significance.

NM_000067.3(CA2):c.115A>C (p.Lys39Gln)

Gene: CA2 (carbonic anhydrase 2; plus strand). Cytogenetic location: 8q21.2.
Variant type: single nucleotide variant.
Coding change: c.115A>C on transcript NM_000067.3 (MANE Select); coding-DNA position 115, A replaced by C.
Protein change: p.Lys39Gln; replaces lysine 39 with glutamine.
Molecular consequence: missense variant. On other transcripts: 5 prime UTR variant (1).
Genome position (GRCh38, 1-based): chr8:85,465,352, A>C. VCF-style: chr8-85465352-A-C. GRCh37 (hg19) VCF-style: chr8-86377581-A-C.
Other names: c.-70A>C (NM_001293675.2); short protein forms K39Q.
Identifiers: ClinVar variation 2001896 (VCV002001896.4), dbSNP rs2536478754, ClinGen allele CA371424597.